The following is an entry in ClinVar:

NM_002485.5(NBN):c.1203del (p.Thr402fs)

Gene: NBN (nibrin; minus strand). Cytogenetic location: 8q21.3.
Variant type: Deletion.
Coding change: c.1203del on transcript NM_002485.5 (MANE Select); coding-DNA position 1203, one base deleted (C; older notation c.1203delC).
Protein change: p.Thr402fs; shifts the reading frame from threonine 402.
Molecular consequence: frameshift variant.
Genome position (GRCh38, 1-based): chr8:89,955,477, G deleted on the plus strand (C on the coding strand, the reverse complement: NBN is on the minus strand); the first of 3 consecutive G bases (chr8:89,955,477-89,955,479); deleting any one gives the same sequence. VCF-style (leftmost placement, unchanged base first): chr8-89955476-TG-T. GRCh37 (hg19) VCF-style: chr8-90967704-TG-T.
Other names: c.957del, p.Thr320fs (NM_001024688.3); short protein forms T320fs, T402fs.
Identifiers: ClinVar variation 2702142 (VCV002702142.3), dbSNP rs2488244868, ClinGen allele CA2687854618.

ClinVar aggregate classification (germline): Pathogenic (1 of 4 stars; one submission).

Conditions:
Microcephaly, normal intelligence and immunodeficiency (NBS). Also called: Nijmegen breakage syndrome; Microcephaly with normal intelligence immunodeficiency and lymphoreticular malignancies; Nonsyndromal microcephaly autosomal recessive with normal intelligence; Seemanova syndrome 2; BERLIN BREAKAGE SYNDROME; IMMUNODEFICIENCY, MICROCEPHALY, AND CHROMOSOMAL INSTABILITY. Identifiers: Orphanet 647, MedGen C0398791, MONDO:0009623, OMIM 251260.

Submission:

Labcorp Genetics (formerly Invitae), Labcorp
Classification: Pathogenic for Microcephaly, normal intelligence and immunodeficiency. Last evaluated: 2023-12-11. Review status: criteria provided, single submitter. Criteria: Invitae Variant Classification Sherloc (09022015). Collection method: clinical testing. Allele origin: germline.
Comment: This sequence change creates a premature translational stop signal (p.Thr402Leufs*2) in the NBN gene. It is expected to result in an absent or disrupted protein product. Loss-of-function variants in NBN are known to be pathogenic (PMID: 9590180, 16415040). This variant is not present in population databases (gnomAD no frequency). This variant has not been reported in the literature in individuals affected with NBN-related conditions. For these reasons, this variant has been classified as Pathogenic.

Literature cited by the submitters: PubMed 9590180; PubMed 16415040.